The following is an entry in ClinVar:

NM_016169.4(SUFU):c.1157+1G>A

Gene: SUFU (SUFU negative regulator of hedgehog signaling; plus strand). Cytogenetic location: 10q24.32.
Variant type: single nucleotide variant.
Coding change: c.1157+1G>A on transcript NM_016169.4 (MANE Select); the canonical splice donor site of the intron after coding-DNA position 1157, G replaced by A.
Molecular consequence: splice donor variant.
Genome position (GRCh38, 1-based): chr10:102,615,403, G>A. VCF-style: chr10-102615403-G-A. GRCh37 (hg19) VCF-style: chr10-104375160-G-A.
Other names: c.1157+1G>A (NM_001178133.2).
Identifiers: ClinVar variation 2133897 (VCV002133897.4), dbSNP rs2492780272, ClinGen allele CA377914644.

ClinVar aggregate classification (germline): Likely pathogenic (1 of 4 stars; one submission).

Conditions:
Gorlin syndrome. Also called: Basal cell nevus syndrome; Nevoid Basal Cell Carcinoma Syndrome. Identifiers: Orphanet 377, MedGen C0004779, MONDO:0007187.
Medulloblastoma (MDB). Also called: Medulloblastoma, somatic; MEDULLOBLASTOMA PREDISPOSITION SYNDROME. Identifiers: Orphanet 616, MedGen C0025149, MeSH D008527, MONDO:0007959, OMIM 155255, HP:0002885.

Submission:

Labcorp Genetics (formerly Invitae), Labcorp
Classification: Likely pathogenic for Gorlin syndrome; Medulloblastoma. Last evaluated: 2024-08-07. Review status: criteria provided, single submitter. Criteria: Invitae Variant Classification Sherloc (09022015). Collection method: clinical testing. Allele origin: germline.
Comment: This sequence change affects a donor splice site in intron 9 of the SUFU gene. It is expected to disrupt RNA splicing. Variants that disrupt the donor or acceptor splice site typically lead to a loss of protein function (PMID: 16199547), and loss-of-function variants in SUFU are known to be pathogenic (PMID: 22508808, 25403219, 33024317). This variant is not present in population databases (gnomAD no frequency). This variant has not been reported in the literature in individuals affected with SUFU-related conditions. ClinVar contains an entry for this variant (Variation ID: 2133897). Studies have shown that disruption of this splice site is associated with inconclusive levels of altered splicing (Invitae). In summary, the currently available evidence indicates that the variant is pathogenic, but additional data are needed to prove that conclusively. Therefore, this variant has been classified as Likely Pathogenic.

Literature cited by the submitters: PubMed 16199547; PubMed 22508808; PubMed 25403219; PubMed 33024317.